The following is an entry in ClinVar:

ClinVar aggregate classification (germline): Uncertain significance (1 of 4 stars; one submission).

Submission:

GeneDx
Classification: Uncertain significance. Last evaluated: 2022-01-13. Review status: criteria provided, single submitter. Criteria: GeneDx Variant Classification Process June 2021. Collection method: clinical testing. Allele origin: germline. Affected: yes.
Comment: Not observed at significant frequency in large population cohorts (gnomAD); In silico analysis supports that this missense variant does not alter protein structure/function; Has not been previously published as pathogenic or benign to our knowledge

NM_133259.4(LRPPRC):c.76C>T (p.Leu26Phe)

Gene: LRPPRC (leucine rich pentatricopeptide repeat containing; minus strand). Cytogenetic location: 2p21.
Variant type: single nucleotide variant.
Coding change: c.76C>T on transcript NM_133259.4 (MANE Select); coding-DNA position 76, C replaced by T.
Protein change: p.Leu26Phe; replaces leucine 26 with phenylalanine.
Molecular consequence: missense variant.
Genome position (GRCh38, 1-based): chr2:43,995,872, G>A on the plus strand (C>T on the coding strand, the complement: LRPPRC is on the minus strand). VCF-style: chr2-43995872-G-A. GRCh37 (hg19) VCF-style: chr2-44223011-G-A.
Other names: short protein forms L26F.
Identifiers: ClinVar variation 1697095 (VCV001697095.2), dbSNP rs1341115802, ClinGen allele CA346679170.